The following is an entry in ClinVar:

NM_001379500.1(COL18A1):c.3851G>A (p.Arg1284His)

Genes: COL18A1 (collagen type XVIII alpha 1 chain; plus strand), SLC19A1 (solute carrier family 19 member 1; minus strand). Cytogenetic location: 21q22.3.
Variant type: single nucleotide variant.
Coding change: c.3851G>A on transcript NM_001379500.1 (MANE Select); coding-DNA position 3851, G replaced by A.
Protein change: p.Arg1284His; replaces arginine 1284 with histidine.
Molecular consequence: missense variant.
Genome position (GRCh38, 1-based): chr21:45,512,229, G>A. VCF-style: chr21-45512229-G-A. GRCh37 (hg19) VCF-style: chr21-46932143-G-A.
Other names: c.4382G>A, p.Arg1461His (NM_030582.4); c.5087G>A, p.Arg1696His (NM_130444.3); c.4382G>A (NM_030582.3); short protein forms R1284H, R1461H, R1696H.
Identifiers: ClinVar variation 1601603 (VCV001601603.10), dbSNP rs202049650, ClinGen allele CA10068114.

ClinVar aggregate classification (germline): Benign. Review status: criteria provided, single submitter (1 of 4 stars). 2 submissions from 2 submitters: Benign (1). 1 of the submissions does not count toward it. Last evaluated 2026-01-19.

Conditions:
COL18A1-related disorder. Also called: COL18A1-related disorders; COL18A1-related condition.

Allele frequency attached by ClinVar (database versions not stated): 1000 Genomes Project 30x 0.00016; gnomAD exomes 0.00016; ExAC 0.00018; 1000 Genomes Project 0.00020; ESP Exome Variant Server 0.00048; gnomAD 0.00053 and 0.00061.
gnomAD v4.1: 253 of 1,612,432 alleles (0.016%); highest among the groups gnomAD compares: African/African-American, 0.19%; no homozygotes.

Submissions (2):

Labcorp Genetics (formerly Invitae), Labcorp
Classification: Benign. Last evaluated: 2026-01-19. Review status: criteria provided, single submitter. Criteria: Invitae Variant Classification Sherloc (09022015). Collection method: clinical testing. Allele origin: germline.

PreventionGenetics, part of Exact Sciences
Classification: Likely benign for COL18A1-related condition. Last evaluated: 2024-01-25. Review status: no assertion criteria provided. Collection method: clinical testing. Allele origin: germline. Not counted in ClinVar's aggregate classification.
Comment: This variant is classified as likely benign based on ACMG/AMP sequence variant interpretation guidelines (Richards et al. 2015 PMID: 25741868, with internal and published modifications).